The following is an entry in ClinVar:

ClinVar aggregate classification (germline): Uncertain significance (1 of 4 stars; one submission).

gnomAD v4.1: 8 of 1,613,210 alleles (0.0005%); highest among the groups gnomAD compares: Non-Finnish European, 0.00068%; no homozygotes.

Submission:

Mayo Clinic Laboratories, Mayo Clinic
Classification: Uncertain significance. Last evaluated: 2024-07-19. Review status: criteria provided, single submitter. Criteria: ACMG Guidelines, 2015. Collection method: clinical testing. Allele origin: germline. Observed: 1 variant allele.
Comment: PP3, PM2

NM_014363.6(SACS):c.7975A>G (p.Thr2659Ala)

Gene: SACS (sacsin molecular chaperone; minus strand). Cytogenetic location: 13q12.12.
Variant type: single nucleotide variant.
Coding change: c.7975A>G on transcript NM_014363.6 (MANE Select); coding-DNA position 7975, A replaced by G.
Protein change: p.Thr2659Ala; replaces threonine 2659 with alanine.
Molecular consequence: missense variant.
Genome position (GRCh38, 1-based): chr13:23,335,901, T>C on the plus strand (A>G on the coding strand, the complement: SACS is on the minus strand). VCF-style: chr13-23335901-T-C. GRCh37 (hg19) VCF-style: chr13-23910040-T-C.
Other names: p.Thr2659Ala; c.7534A>G, p.Thr2512Ala (NM_001278055.2); short protein forms T2512A, T2659A.
Identifiers: ClinVar variation 3380139 (VCV003380139.1).